The following is an entry in ClinVar:

NM_022437.3(ABCG8):c.1705T>C (p.Ser569Pro)

Gene: ABCG8 (ATP binding cassette subfamily G member 8; plus strand). Cytogenetic location: 2p21.
Variant type: single nucleotide variant.
Coding change: c.1705T>C on transcript NM_022437.3 (MANE Select); coding-DNA position 1705, T replaced by C.
Protein change: p.Ser569Pro; replaces serine 569 with proline.
Molecular consequence: missense variant.
Genome position (GRCh38, 1-based): chr2:43,875,362, T>C. VCF-style: chr2-43875362-T-C. GRCh37 (hg19) VCF-style: chr2-44102501-T-C.
Other names: c.1705T>C (NM_022437.2); c.1702T>C, p.Ser568Pro (NM_001357321.2); short protein forms S568P, S569P.
Identifiers: ClinVar variation 2739113 (VCV002739113.4), dbSNP rs776335488, ClinGen allele CA1637598.

ClinVar aggregate classification (germline): Uncertain significance. Review status: criteria provided, multiple submitters, no conflicts (2 of 4 stars). 2 submissions from 2 submitters: Uncertain significance (2). Last evaluated 2026-04-28.

Conditions:
Cardiovascular phenotype. Identifiers: MedGen CN230736.

Allele frequency attached by ClinVar (database versions not stated): ExAC 0.00001; gnomAD exomes 0.00001.
gnomAD v4.1: 5 of 1,614,086 alleles (0.00031%); highest among the groups gnomAD compares: Non-Finnish European, 0.00042%; no homozygotes.

Submissions (2):

Ambry Genetics
Classification: Uncertain significance for Cardiovascular phenotype. Last evaluated: 2026-04-28. Review status: criteria provided, single submitter. Criteria: Ambry Variant Classification Scheme 2023. Collection method: clinical testing. Allele origin: germline.
Comment: The p.S569P variant (also known as c.1705T>C), located in coding exon 11 of the ABCG8 gene, results from a T to C substitution at nucleotide position 1705. The serine at codon 569 is replaced by proline, an amino acid with similar properties. This variant was reported in individual(s) with features consistent with familial hypercholesterolemia (FH) (Atava I et al. Int J Mol Sci, 2024 Dec;25:). This amino acid position is not well conserved in available vertebrate species. In addition, this alteration is predicted to be tolerated by in silico analysis. Based on the available evidence, the clinical significance of this variant remains unclear.

Labcorp Genetics (formerly Invitae), Labcorp
Classification: Uncertain significance. Last evaluated: 2025-11-10. Review status: criteria provided, single submitter. Criteria: Invitae Variant Classification Sherloc (09022015). Collection method: clinical testing. Allele origin: germline.
Comment: This sequence change replaces serine, which is neutral and polar, with proline, which is neutral and non-polar, at codon 569 of the ABCG8 protein (p.Ser569Pro). This variant is present in population databases (rs776335488, gnomAD 0.0009%). This variant has not been reported in the literature in individuals affected with ABCG8-related conditions. ClinVar contains an entry for this variant (Variation ID: 2739113). Invitae Evidence Modeling of protein sequence and biophysical properties (such as structural, functional, and spatial information, amino acid conservation, physicochemical variation, residue mobility, and thermodynamic stability) indicates that this missense variant is not expected to disrupt ABCG8 protein function with a negative predictive value of 80%. In summary, the available evidence is currently insufficient to determine the role of this variant in disease. Therefore, it has been classified as a Variant of Uncertain Significance.

Literature cited by the submitters: PubMed 39769230 (cited by Ambry Genetics).